The following is an entry in ClinVar:

NM_018180.3(DHX32):c.755A>G (p.Gln252Arg)

Gene: DHX32 (DEAH-box helicase 32 (putative); minus strand). Cytogenetic location: 10q26.2.
Variant type: single nucleotide variant.
Coding change: c.755A>G on transcript NM_018180.3 (MANE Select); coding-DNA position 755, A replaced by G.
Protein change: p.Gln252Arg; replaces glutamine 252 with arginine.
Molecular consequence: missense variant.
Genome position (GRCh38, 1-based): chr10:125,859,697, T>C on the plus strand (A>G on the coding strand, the complement: DHX32 is on the minus strand). VCF-style: chr10-125859697-T-C. GRCh37 (hg19) VCF-style: chr10-127548266-T-C.
Other names: short protein forms Q252R.
Identifiers: ClinVar variation 2874137 (VCV002874137.3), dbSNP rs1944173138, ClinGen allele CA378678309.

ClinVar aggregate classification (germline): Uncertain significance (1 of 4 stars; one submission).

Allele frequency attached by ClinVar (database versions not stated): TOPMed below 0.00001; gnomAD exomes 0.00001.
gnomAD v4.1: 7 of 1,614,050 alleles (0.00043%); highest among the groups gnomAD compares: Non-Finnish European, 0.00059%; no homozygotes.

Submission:

Labcorp Genetics (formerly Invitae), Labcorp
Classification: Uncertain significance. Last evaluated: 2024-01-06. Review status: criteria provided, single submitter. Criteria: Invitae Variant Classification Sherloc (09022015). Collection method: clinical testing. Allele origin: germline.
Comment: This sequence change replaces glutamine, which is neutral and polar, with arginine, which is basic and polar, at codon 252 of the DHX32 protein (p.Gln252Arg). This variant is not present in population databases (gnomAD no frequency). This variant has not been reported in the literature in individuals affected with DHX32-related conditions. An algorithm developed to predict the effect of missense changes on protein structure and function (PolyPhen-2) suggests that this variant is likely to be tolerated. In summary, the available evidence is currently insufficient to determine the role of this variant in disease. Therefore, it has been classified as a Variant of Uncertain Significance.